The following is an entry in ClinVar:

NM_000020.3(ACVRL1):c.1217G>A (p.Trp406Ter)

Gene: ACVRL1 (activin A receptor like type 1; plus strand). Cytogenetic location: 12q13.13.
Variant type: single nucleotide variant.
Coding change: c.1217G>A on transcript NM_000020.3 (MANE Select); coding-DNA position 1217, G replaced by A.
Protein change: p.Trp406Ter; replaces tryptophan 406 with a stop codon.
Molecular consequence: nonsense.
Genome position (GRCh38, 1-based): chr12:51,916,204, G>A. VCF-style: chr12-51916204-G-A. GRCh37 (hg19) VCF-style: chr12-52309988-G-A.
Other names: NM_000020.3(ACVRL1):c.1217G>A; p.Trp406Ter; c.1217G>A, p.Trp406Ter (NM_001077401.2); short protein forms W406*.
Identifiers: ClinVar variation 411300 (VCV000411300.6), dbSNP rs1060503235, ClinGen allele CA16614169.

ClinVar aggregate classification (germline): Pathogenic. Review status: reviewed by expert panel (3 of 4 stars). 2 submissions from 2 submitters: Pathogenic (1). 1 of the submissions does not count toward it. Last evaluated 2024-03-15.

Conditions:
Telangiectasia, hereditary hemorrhagic, type 2 (HHT2). Also called: ACVRL1-Related Hereditary Hemorrhagic Telangiectasia; Telangiectasia, hereditary hemorrhagic, type II. Identifiers: Orphanet 774, MedGen C1838163, MONDO:0010880, OMIM 600376. Disease mechanism: loss of function.

Submissions (2):

ClinGen Hereditary Hemorrhagic Telangiectasia Variant Curation Expert Panel, ClinGen
Classification: Pathogenic for Telangiectasia, hereditary hemorrhagic, type 2. Last evaluated: 2024-03-15. Review status: reviewed by expert panel. Criteria: ClinGen HHT ACMG Specifications ACVRL1 V1.1.0. Collection method: curation. Allele origin: germline. Inheritance: Autosomal dominant inheritance.
Comment: The NM_000020.3: c.1217G>A (p.Trp406Ter) variant in ACVRL1 is a nonsense variant predicted to cause a premature stop codon in biologically relevant exon 8 (out of 10) leading to nonsense mediated decay in a gene in which loss-of-function is an established disease mechanism (PVS1). This variant is absent from gnomAD v2.1.1 (PM2_Supporting). This variant has been reported in a proband with a phenotype consistent of HHT (PS4_Supporting; Internal lab contributors). In summary, this variant meets the criteria to be classified as pathogenic for autosomal dominant hereditary hemorrhagic telangiectasia based on the ACMG/AMP criteria applied, as specified by the ClinGen Hereditary Hemorrhagic Telangiectasia Variant Curation Expert Panel: PVS1, PM2_Supporting, PS4_Supporting (specification version 1.0.0; 1/4/2024).

Labcorp Genetics (formerly Invitae), Labcorp
Classification: Pathogenic for Telangiectasia, hereditary hemorrhagic, type 2. Last evaluated: 2016-11-26. Review status: criteria provided, single submitter. Criteria: Invitae Variant Classification Sherloc (09022015). Collection method: clinical testing. Allele origin: germline. Not counted in ClinVar's aggregate classification.
Comment: For these reasons, this variant has been classified as Pathogenic. While this particular variant has not been reported in the literature, loss-of-function variants in ACVRL1 are known to be pathogenic (PMID: 15879500). This sequence change creates a premature translational stop signal at codon 406 (p.Trp406*) of the ACVRL1 gene. It is expected to result in an absent or disrupted protein product.

Literature cited by the submitters: PubMed 15879500 (cited by Labcorp Genetics (formerly Invitae), Labcorp).